The following is an entry in ClinVar:

ClinVar aggregate classification (germline): Uncertain significance (1 of 4 stars; one submission).

Submission:

Labcorp Genetics (formerly Invitae), Labcorp
Classification: Uncertain significance. Last evaluated: 2022-10-11. Review status: criteria provided, single submitter. Criteria: Invitae Variant Classification Sherloc (09022015). Collection method: clinical testing. Allele origin: germline.
Comment: Advanced modeling of protein sequence and biophysical properties (such as structural, functional, and spatial information, amino acid conservation, physicochemical variation, residue mobility, and thermodynamic stability) performed at Invitae indicates that this missense variant is expected to disrupt SNIP1 protein function. In summary, the available evidence is currently insufficient to determine the role of this variant in disease. Therefore, it has been classified as a Variant of Uncertain Significance. This variant has not been reported in the literature in individuals affected with SNIP1-related conditions. This variant is not present in population databases (gnomAD no frequency). This sequence change replaces leucine, which is neutral and non-polar, with proline, which is neutral and non-polar, at codon 352 of the SNIP1 protein (p.Leu352Pro).

NM_024700.4(SNIP1):c.1055T>C (p.Leu352Pro)

Gene: SNIP1 (Smad nuclear interacting protein 1; minus strand). Cytogenetic location: 1p34.3.
Variant type: single nucleotide variant.
Coding change: c.1055T>C on transcript NM_024700.4 (MANE Select); coding-DNA position 1055, T replaced by C.
Protein change: p.Leu352Pro; replaces leucine 352 with proline.
Molecular consequence: missense variant.
Genome position (GRCh38, 1-based): chr1:37,537,884, A>G on the plus strand (T>C on the coding strand, the complement: SNIP1 is on the minus strand). VCF-style: chr1-37537884-A-G. GRCh37 (hg19) VCF-style: chr1-38003485-A-G.
Other names: short protein forms L352P.
Identifiers: ClinVar variation 1720020 (VCV001720020.6), dbSNP rs2522339307, ClinGen allele CA339445002.